The following is an entry in ClinVar:

ClinVar aggregate classification (germline): Pathogenic/Likely pathogenic. Review status: criteria provided, multiple submitters, no conflicts (2 of 4 stars). 4 submissions from 4 submitters: Pathogenic (2); Likely pathogenic (2). Last evaluated 2025-03-13.

Conditions:
Congenital microcephaly - severe encephalopathy - progressive cerebral atrophy syndrome. Also called: ASNS DEFICIENCY; Asparagine synthetase deficiency. Identifiers: Orphanet 391376, MedGen C3809971, MONDO:0014258, OMIM 615574.

Allele frequency attached by ClinVar (database versions not stated): ExAC 0.00002; gnomAD exomes below 0.00001 and 0.00001; gnomAD 0.00001; TOPMed 0.00001.

Submissions (4):

Natera, Inc.
Classification: Likely pathogenic for Asparagine synthetase deficiency. Last evaluated: 2025-03-13. Review status: criteria provided, single submitter. Criteria: Natera Variant Classification Schema (03/2026). Collection method: clinical testing. Allele origin: germline.
Comment: The c.277C>T variant in ASNS is a nonsense variant predicted to introduce a stop codon at amino acid 93. This variant is expected to result in nonsense mediated decay, truncation, or a dysfunctional protein product. This variant is rare in the general population with a frequency below the threshold expected for the associated phenotype(s). Given the available evidence, this variant is classified as Likely Pathogenic.

Dasa
Classification: Pathogenic. Last evaluated: 2025-03-03. Review status: criteria provided, single submitter. Criteria: DASA Assertion Criteria. Collection method: clinical testing. Allele origin: germline.
Comment: NM_001673.5(ASNS):c.277C>T (p.Gln93*) introduces a premature termination codon predicted to result in loss of normal protein function. Loss-of-function is an established mechanism of disease for this gene. This variant has been observed in affected individuals with related phenotype in a genotype context consistent with recessive disease. The variant is present at low frequency in population datasets. Based on the available data, this variant is classified as pathogenic.

Fulgent Genetics
Classification: Likely pathogenic for Congenital microcephaly - severe encephalopathy - progressive cerebral atrophy syndrome. Last evaluated: 2024-05-15. Review status: criteria provided, single submitter. Criteria: ACMG Guidelines, 2015. Collection method: clinical testing. Allele origin: germline.

Labcorp Genetics (formerly Invitae), Labcorp
Classification: Pathogenic. Last evaluated: 2023-10-29. Review status: criteria provided, single submitter. Criteria: Invitae Variant Classification Sherloc (09022015). Collection method: clinical testing. Allele origin: germline.
Comment: This sequence change creates a premature translational stop signal (p.Gln93*) in the ASNS gene. It is expected to result in an absent or disrupted protein product. Loss-of-function variants in ASNS are known to be pathogenic (PMID: 27422383, 30057589). The frequency data for this variant in the population databases is considered unreliable, as metrics indicate poor data quality at this position in the gnomAD database. This variant has not been reported in the literature in individuals affected with ASNS-related conditions. ClinVar contains an entry for this variant (Variation ID: 951638). For these reasons, this variant has been classified as Pathogenic.

Literature cited by the submitters: PubMed 27422383 (cited by Labcorp Genetics (formerly Invitae), Labcorp); PubMed 30057589 (cited by Labcorp Genetics (formerly Invitae), Labcorp).

NM_001673.5(ASNS):c.277C>T (p.Gln93Ter)

Genes: ASNS (asparagine synthetase (glutamine-hydrolyzing); minus strand), CZ1P-ASNS (CZ1P-ASNS readthrough; minus strand). Cytogenetic location: 7q21.3.
Variant type: single nucleotide variant.
Coding change: c.277C>T on transcript NM_001673.5 (MANE Select); coding-DNA position 277, C replaced by T.
Protein change: p.Gln93Ter; replaces glutamine 93 with a stop codon.
Molecular consequence: nonsense. On other transcripts: non-coding transcript variant (1).
Genome position (GRCh38, 1-based): chr7:97,864,469, G>A on the plus strand (C>T on the coding strand, the complement: ASNS is on the minus strand). VCF-style: chr7-97864469-G-A. GRCh37 (hg19) VCF-style: chr7-97493781-G-A.
Other names: c.277C>T, p.Gln93Ter (NM_133436.3, NM_001352496.2, NM_183356.4); c.214C>T, p.Gln72Ter (NM_001178075.2); c.28C>T, p.Gln10Ter (NM_001178076.2, NM_001178077.1); short protein forms Q10*, Q93*, Q72*.
Identifiers: ClinVar variation 951638 (VCV000951638.11), dbSNP rs757729851, ClinGen allele CA4354798.